The following is an entry in ClinVar:

NM_000179.3(MSH6):c.2490T>C (p.Ser830=)

Gene: MSH6 (mutS homolog 6; plus strand). Cytogenetic location: 2p16.3.
Variant type: single nucleotide variant.
Coding change: c.2490T>C on transcript NM_000179.3 (MANE Select); coding-DNA position 2490, T replaced by C.
Protein change: p.Ser830=; no amino-acid change (serine 830 retained).
Molecular consequence: synonymous variant.
Genome position (GRCh38, 1-based): chr2:47,800,473, T>C. VCF-style: chr2-47800473-T-C. GRCh37 (hg19) VCF-style: chr2-48027612-T-C.
Other names: c.2100T>C, p.Ser700= (NM_001281492.2); c.1584T>C, p.Ser528= (NM_001281493.2, NM_001281494.2).
Identifiers: ClinVar variation 1556136 (VCV001556136.9), dbSNP rs2104409329, ClinGen allele CA426121503.

ClinVar aggregate classification (germline): Benign/Likely benign. Review status: criteria provided, multiple submitters, no conflicts (2 of 4 stars). 2 submissions from 2 submitters: Benign (1); Likely benign (1). Last evaluated 2024-12-31.

Conditions:
Hereditary nonpolyposis colorectal neoplasms. Identifiers: MedGen C0009405, MeSH D003123.
Lynch syndrome 5 (LYNCH5). Also called: Colorectal cancer, hereditary nonpolyposis, type 5; Hereditary non-polyposis colorectal cancer, type 5. Identifiers: Orphanet 144, MedGen C1833477, MONDO:0013710, OMIM 614350. Disease mechanism: loss of function.

Submissions (2):

Myriad Genetics, Inc.
Classification: Benign for Lynch syndrome 5. Last evaluated: 2024-12-31. Review status: criteria provided, single submitter. Criteria: Myriad Autosomal Dominant, Autosomal Recessive and X-Linked Classification Criteria (2023). Collection method: clinical testing. Allele origin: unknown.
Comment: This variant is considered benign. This variant is a silent/synonymous amino acid change and it is not expected to impact splicing.

Labcorp Genetics (formerly Invitae), Labcorp
Classification: Likely benign for Hereditary nonpolyposis colorectal neoplasms. Last evaluated: 2021-11-11. Review status: criteria provided, single submitter. Criteria: Invitae Variant Classification Sherloc (09022015). Collection method: clinical testing. Allele origin: germline.